The following is an entry in ClinVar:

NM_054012.4(ASS1):c.1194-19_1197dup

Gene: ASS1 (argininosuccinate synthase 1; plus strand). Cytogenetic location: 9q34.11.
Variant type: Duplication.
Coding change: c.1194-19_1197dup on transcript NM_054012.4 (MANE Select); 19 bases into the intron before coding-DNA position 1194 through coding-DNA position 1197, 23 bases duplicated (TTTTGAATCTGGTTTACAGGCTG).
Molecular consequence: splice acceptor variant.
Genome position (GRCh38, 1-based): chr9:130,500,957-130,500,979, TTTTGAATCTGGTTTACAGGCTG duplicated; duplicating any 23 consecutive bases within chr9:130,500,955-130,500,979 gives the same sequence; the c. name uses the placement nearest the transcript's 3' end. VCF-style (leftmost placement, unchanged base first): chr9-130500954-T-TTGTTTTGAATCTGGTTTACAGGC. GRCh37 (hg19) VCF-style: chr9-133376341-T-TTGTTTTGAATCTGGTTTACAGGC.
Other names: c.1194-19_1197dup23 (NM_000050.4); c.1194-19_1197dup (NM_000050.4).
Identifiers: ClinVar variation 2445911 (VCV002445911.3), dbSNP rs754930928, ClinGen allele CA5283687.

ClinVar aggregate classification (germline): Likely pathogenic. Review status: criteria provided, multiple submitters, no conflicts (2 of 4 stars). 3 submissions from 3 submitters: Likely pathogenic (3). Last evaluated 2024-01-05.

Conditions:
Citrullinemia. Identifiers: Orphanet 187, MedGen C0175683, MONDO:0015991.
Citrullinemia type I (CTNL1). Also called: ASS DEFICIENCY; argininosuccinate synthetase deficiency. Identifiers: Orphanet 247525, MedGen C4721769, MONDO:0008988, OMIM 215700.

Submissions (3):

Baylor Genetics
Classification: Likely pathogenic for Citrullinemia type I. Last evaluated: 2024-01-05. Review status: criteria provided, single submitter. Criteria: ACMG Guidelines, 2015. Collection method: clinical testing. Allele origin: unknown.

3billion
Classification: Likely pathogenic for Citrullinemia type I. Last evaluated: 2023-07-31. Review status: criteria provided, single submitter. Criteria: ACMG Guidelines, 2015. Collection method: clinical testing. Allele origin: germline. Affected: yes.
Comment: The variant is observed at an extremely low frequency in the gnomAD v2.1.1 dataset (total allele frequency: 0.001%). Predicted Consequence/Location: Intron variant In silico tools predict the variant to alter splicing and produce an abnormal transcript (SpliceAI: 0.97). The variant has been reported to be in trans with a pathogenic variant as either compound heterozygous or homozygous in at least one similarly affected unrelated individual (PMID: 28111830). The variant has been reported to be associated with ASS1 related disorder (ClinVar ID: VCV002445911). Therefore, this variant is classified as Likely pathogenic according to the recommendation of ACMG/AMP guideline.

Women's Health and Genetics/Laboratory Corporation of America, LabCorp
Classification: Likely pathogenic for Citrullinemia. Last evaluated: 2023-02-20. Review status: criteria provided, single submitter. Criteria: LabCorp Variant Classification Summary - May 2015. Collection method: clinical testing. Allele origin: germline.
Comment: Variant summary: ASS1 c.1194-19_1197dup23 is located in a canonical splice-site and is predicted to affect mRNA splicing resulting in a significantly altered protein due to either exon skipping, shortening, or inclusion of intronic material. Several computational tools predict a significant impact on normal splicing: Four predict the variant creates a new exonic 3' acceptor site within the duplicated segment. However, these predictions have yet to be confirmed by functional studies. The variant allele was found at a frequency of 8e-06 in 250792 control chromosomes (gnomAD). c.1194-19_1197dup23 has been reported in the literature in a symptomatic individual diagnosed through newborn screening, affected with Citrullinemia Type I (Diez-Fernandez_2017). To our knowledge, no experimental evidence demonstrating an impact on protein function has been reported. No clinical diagnostic laboratories have submitted clinical-significance assessments for this variant to ClinVar after 2014. Based on the evidence outlined above, the variant was classified as likely pathogenic.

Literature cited by the submitters: PubMed 28111830 (cited by 3billion and Women's Health and Genetics/Laboratory Corporation of America, LabCorp).